The following is an entry in ClinVar:

NM_006516.4(SLC2A1):c.798C>T (p.Pro266=)

Gene: SLC2A1 (solute carrier family 2 member 1; minus strand). Cytogenetic location: 1p34.2.
Variant type: single nucleotide variant.
Coding change: c.798C>T on transcript NM_006516.4 (MANE Select); coding-DNA position 798, C replaced by T.
Protein change: p.Pro266=; no amino-acid change (proline 266 retained).
Molecular consequence: synonymous variant.
Genome position (GRCh38, 1-based): chr1:42,929,662, G>A on the plus strand (C>T on the coding strand, the complement: SLC2A1 is on the minus strand). VCF-style: chr1-42929662-G-A. GRCh37 (hg19) VCF-style: chr1-43395333-G-A.
Identifiers: ClinVar variation 876778 (VCV000876778.13), dbSNP rs201996220, ClinGen allele CA803452.

ClinVar aggregate classification (germline): Benign/Likely benign. Review status: criteria provided, multiple submitters, no conflicts (2 of 4 stars). 9 submissions from 4 submitters: Benign (2); Likely benign (7). Last evaluated 2026-03-01.

Conditions:
Childhood onset GLUT1 deficiency syndrome 2. Also called: Exertion-induced paroxysmal dyskinesia; PxMD-SLC2A1; PAROXYSMAL EXERCISE-INDUCED DYSKINESIA WITH OR WITHOUT EPILEPSY AND/OR HEMOLYTIC ANEMIA; PAROXYSMAL EXERTION-INDUCED DYSTONIA WITH OR WITHOUT EPILEPSY AND/OR HEMOLYTIC ANEMIA; PED WITH OR WITHOUT EPILEPSY AND/OR HEMOLYTIC ANEMIA; Paroxysmal exercise-induced dystonia. Identifiers: Orphanet 98811, MedGen C1842534, MONDO:0012805, OMIM 612126.
Encephalopathy due to GLUT1 deficiency. Also called: GLUT1 deficiency syndrome 1, infantile onset, severe; Glucose transporter protein syndrome; GLUT1 deficiency syndrome 1; Classic Glucose Transporter Type 1 Deficiency Syndrome; De Vivo disease; GLUCOSE TRANSPORT DEFECT, BLOOD-BRAIN BARRIER. Identifiers: Orphanet 71277, MedGen C4551966, MONDO:0011724, OMIM 606777.
GLUT1 deficiency syndrome 1, autosomal recessive. Identifiers: MedGen C3149117.
Hereditary cryohydrocytosis with reduced stomatin. Also called: Stomatin-deficient cryohydrocytosis with neurologic defects; GLUT1 DEFICIENCY SYNDROME WITH PSEUDOHYPERKALEMIA AND HEMOLYSIS. Identifiers: Orphanet 168577, MedGen C1837206, MONDO:0012143, OMIM 608885.
Dystonia 9 (DYT9). Also called: CHOREOATHETOSIS, KINESIGENIC, WITH EPISODIC ATAXIA AND SPASTICITY. Identifiers: Orphanet 53583, MedGen C1832855, MONDO:0010983, OMIM 601042.
Epilepsy, idiopathic generalized, susceptibility to, 12 (EIG12). Identifiers: MedGen C3553859, MONDO:0013919, OMIM 614847.

Allele frequency attached by ClinVar (database versions not stated): ExAC 0.00001; gnomAD 0.00002; gnomAD exomes 0.00002 and 0.00004; TOPMed 0.00002; 1000 Genomes Project 0.00060; 1000 Genomes Project 30x 0.00062.
gnomAD v4.1: 57 of 1,613,624 alleles (0.0035%); highest among the groups gnomAD compares: East Asian, 0.098%; no homozygotes.

Submissions (9):

CeGaT Center for Human Genetics Tuebingen
Classification: Likely benign. Last evaluated: 2026-03-01. Review status: criteria provided, single submitter. Criteria: CeGaT Center For Human Genetics Tuebingen Variant Classification Criteria Version 2. Collection method: clinical testing. Allele origin: germline. Affected: yes. Observed: 1 variant allele.
Comment: SLC2A1: BP4, BP7

Labcorp Genetics (formerly Invitae), Labcorp
Classification: Likely benign for GLUT1 deficiency syndrome 1, autosomal recessive. Last evaluated: 2025-09-24. Review status: criteria provided, single submitter. Criteria: Invitae Variant Classification Sherloc (09022015). Collection method: clinical testing. Allele origin: germline.

Genome-Nilou Lab
Classification: Likely benign for Epilepsy, idiopathic generalized, susceptibility to, 12. Last evaluated: 2023-04-11. Review status: criteria provided, single submitter. Criteria: ACMG Guidelines, 2015. Collection method: clinical testing. Allele origin: germline. Affected: no.

Genome-Nilou Lab
Classification: Likely benign for Dystonia 9. Last evaluated: 2023-04-11. Review status: criteria provided, single submitter. Criteria: ACMG Guidelines, 2015. Collection method: clinical testing. Allele origin: germline. Affected: no.

Genome-Nilou Lab
Classification: Likely benign for Encephalopathy due to GLUT1 deficiency. Last evaluated: 2023-04-11. Review status: criteria provided, single submitter. Criteria: ACMG Guidelines, 2015. Collection method: clinical testing. Allele origin: germline. Affected: no.

Genome-Nilou Lab
Classification: Likely benign for Childhood onset GLUT1 deficiency syndrome 2. Last evaluated: 2023-04-11. Review status: criteria provided, single submitter. Criteria: ACMG Guidelines, 2015. Collection method: clinical testing. Allele origin: germline. Affected: no.

Genome-Nilou Lab
Classification: Likely benign for Hereditary cryohydrocytosis with reduced stomatin. Last evaluated: 2023-04-11. Review status: criteria provided, single submitter. Criteria: ACMG Guidelines, 2015. Collection method: clinical testing. Allele origin: germline. Affected: no.

Illumina Laboratory Services, Illumina
Classification: Benign for Encephalopathy due to GLUT1 deficiency. Last evaluated: 2018-01-13. Review status: criteria provided, single submitter. Criteria: ICSL Variant Classification Criteria 13 December 2019. Collection method: clinical testing. Allele origin: germline.
Comment: This variant was observed in the ICSL laboratory as part of a predisposition screen in an ostensibly healthy population. It had not been previously curated by ICSL or reported in the Human Gene Mutation Database (HGMD: prior to June 1st, 2018), and was therefore a candidate for classification through an automated scoring system. Utilizing variant allele frequency, disease prevalence and penetrance estimates, and inheritance mode, an automated score was calculated to assess if this variant is too frequent to cause the disease. Based on the score and internal cut-off values, a variant classified as benign is not then subjected to further curation. The score for this variant resulted in a classification of benign for this disease.

Illumina Laboratory Services, Illumina
Classification: Benign for Dystonia 9. Last evaluated: 2018-01-13. Review status: criteria provided, single submitter. Criteria: ICSL Variant Classification Criteria 13 December 2019. Collection method: clinical testing. Allele origin: germline.
Comment: the same text as in the submission from Illumina Laboratory Services, Illumina above.